The following is an entry in ClinVar:

NM_147127.5(EVC2):c.1003C>T (p.Arg335Trp)

Genes: EVC2 (EvC ciliary complex subunit 2; minus strand), LOC126806962 (BRD4-independent group 4 enhancer GRCh37_chr4:5666069-5667268; plus strand). Cytogenetic location: 4p16.2.
Variant type: single nucleotide variant.
Coding change: c.1003C>T on transcript NM_147127.5 (MANE Select); coding-DNA position 1003, C replaced by T.
Protein change: p.Arg335Trp; replaces arginine 335 with tryptophan.
Molecular consequence: missense variant.
Genome position (GRCh38, 1-based): chr4:5,665,517, G>A on the plus strand (C>T on the coding strand, the complement: EVC2 is on the minus strand). VCF-style: chr4-5665517-G-A. GRCh37 (hg19) VCF-style: chr4-5667244-G-A.
Other names: c.763C>T, p.Arg255Trp (NM_001166136.2); short protein forms R255W, R335W.
Identifiers: ClinVar variation 1518821 (VCV001518821.7), dbSNP rs148884226, ClinGen allele CA2835204.
Genomic context (GRCh38, chr4:5,665,517, plus strand): 5'-GGGATGAACTTCAACCTCACATTCACCACCTTCCAAACCACCCTCAGGGAAGACTCACCC[G>A]ATGTCTGGTGAGCATGTTTCCCTTCAGACACTGATAGCGAACCATGAGGAAGAGGGCAGC-3'
Protein context (NP_667338.3, residues 325-345): CLKGNMLTRH[Arg335Trp]VWQYESKLEP

ClinVar aggregate classification (germline): Uncertain significance. Review status: criteria provided, multiple submitters, no conflicts (2 of 4 stars). 2 submissions from 2 submitters: Uncertain significance (2). Last evaluated 2024-10-31.

Conditions:
Ellis-van Creveld syndrome (EVC). Also called: MESOECTODERMAL DYSPLASIA; Chondroectodermal dysplasia. Identifiers: Orphanet 289, MedGen C0013903, MONDO:0009162, OMIM 225500.
Curry-Hall syndrome (WAD). Also called: WEYERS ACRODENTAL DYSOSTOSIS. Identifiers: Orphanet 952, MedGen C0457013, MONDO:0008673, OMIM 193530.

Allele frequency attached by ClinVar (database versions not stated): gnomAD 0.00015 and 0.00017; gnomAD exomes 0.00021; TOPMed 0.00022; ExAC 0.00028; ESP Exome Variant Server 0.00038.
gnomAD v4.1: 301 of 1,613,952 alleles (0.019%); highest among the groups gnomAD compares: Admixed American, 0.023%; no homozygotes.

Submissions (4):

Blueprint Genetics
Classification: Uncertain significance. Last evaluated: 2024-10-31. Review status: criteria provided, single submitter. Criteria: ACMG Guidelines, 2015. Collection method: clinical testing. Allele origin: germline.

Labcorp Genetics (formerly Invitae), Labcorp
Classification: Uncertain significance for Curry-Hall syndrome; Ellis-van Creveld syndrome. Last evaluated: 2024-10-24. Review status: criteria provided, single submitter. Criteria: Invitae Variant Classification Sherloc (09022015). Collection method: clinical testing. Allele origin: germline.
Comment: This sequence change replaces arginine, which is basic and polar, with tryptophan, which is neutral and slightly polar, at codon 335 of the EVC2 protein (p.Arg335Trp). This variant is present in population databases (rs148884226, gnomAD 0.03%). This variant has not been reported in the literature in individuals affected with EVC2-related conditions. ClinVar contains an entry for this variant (Variation ID: 1518821). An algorithm developed to predict the effect of missense changes on protein structure and function outputs the following: PolyPhen-2: "Benign". The tryptophan amino acid residue is found in multiple mammalian species, which suggests that this missense change does not adversely affect protein function. In summary, the available evidence is currently insufficient to determine the role of this variant in disease. Therefore, it has been classified as a Variant of Uncertain Significance.

Dr. Peter K. Rogan Lab, Western University
No classification provided (evidence only). Condition: Familial cancer of breast. Review status: no classification provided. Collection method: in vitro. Allele origin: not applicable. Functional consequence: retained intron. Not counted in ClinVar's aggregate classification.

Dr. Peter K. Rogan Lab, Western University
No classification provided (evidence only). Condition: Acute myeloid leukemia. Review status: no classification provided. Collection method: in vitro. Allele origin: not applicable. Functional consequence: retained intron. Not counted in ClinVar's aggregate classification.